The following is an entry in ClinVar:

ClinVar aggregate classification (germline): Uncertain significance (1 of 4 stars; one submission).

Submission:

GeneDx
Classification: Uncertain significance. Last evaluated: 2022-08-23. Review status: criteria provided, single submitter. Criteria: GeneDx Variant Classification Process June 2021. Collection method: clinical testing. Allele origin: germline. Affected: yes.
Comment: Not observed at significant frequency in large population cohorts (gnomAD); In silico analysis supports that this missense variant does not alter protein structure/function; Has not been previously published as pathogenic or benign to our knowledge

NM_001190274.2(FBXO11):c.458A>G (p.Gln153Arg)

Gene: FBXO11 (F-box protein 11; minus strand). Cytogenetic location: 2p16.3.
Variant type: single nucleotide variant.
Coding change: c.458A>G on transcript NM_001190274.2 (MANE Select); coding-DNA position 458, A replaced by G.
Protein change: p.Gln153Arg; replaces glutamine 153 with arginine.
Molecular consequence: missense variant.
Genome position (GRCh38, 1-based): chr2:47,838,988, T>C on the plus strand (A>G on the coding strand, the complement: FBXO11 is on the minus strand). VCF-style: chr2-47838988-T-C. GRCh37 (hg19) VCF-style: chr2-48066127-T-C.
Other names: c.206A>G, p.Gln69Arg (NM_001374325.1, NM_025133.4); short protein forms Q153R, Q69R.
Identifiers: ClinVar variation 2430937 (VCV002430937.1), dbSNP rs2531254887, ClinGen allele CA346813262.